The following is an entry in ClinVar:

ClinVar aggregate classification (germline): Uncertain significance (1 of 4 stars; one submission).

Submission:

Labcorp Genetics (formerly Invitae), Labcorp
Classification: Uncertain significance. Last evaluated: 2022-09-07. Review status: criteria provided, single submitter. Criteria: Invitae Variant Classification Sherloc (09022015). Collection method: clinical testing. Allele origin: germline.
Comment: In summary, the available evidence is currently insufficient to determine the role of this variant in disease. Therefore, it has been classified as a Variant of Uncertain Significance. Advanced modeling of protein sequence and biophysical properties (such as structural, functional, and spatial information, amino acid conservation, physicochemical variation, residue mobility, and thermodynamic stability) performed at Invitae indicates that this missense variant is not expected to disrupt GRIN2D protein function. ClinVar contains an entry for this variant (Variation ID: 1511161). This variant has not been reported in the literature in individuals affected with GRIN2D-related conditions. This variant is not present in population databases (gnomAD no frequency). This sequence change replaces proline, which is neutral and non-polar, with arginine, which is basic and polar, at codon 1112 of the GRIN2D protein (p.Pro1112Arg).

NM_000836.4(GRIN2D):c.3335C>G (p.Pro1112Arg)

Gene: GRIN2D (glutamate ionotropic receptor NMDA type subunit 2D; plus strand). Cytogenetic location: 19q13.33.
Variant type: single nucleotide variant.
Coding change: c.3335C>G on transcript NM_000836.4 (MANE Select); coding-DNA position 3335, C replaced by G.
Protein change: p.Pro1112Arg; replaces proline 1112 with arginine.
Molecular consequence: missense variant.
Genome position (GRCh38, 1-based): chr19:48,443,261, C>G. VCF-style: chr19-48443261-C-G. GRCh37 (hg19) VCF-style: chr19-48946518-C-G.
Other names: short protein forms P1112R.
Identifiers: ClinVar variation 1511161 (VCV001511161.8), dbSNP rs757836391, ClinGen allele CA406675673.